The following is an entry in ClinVar:

ClinVar aggregate classification (germline): Pathogenic (1 of 4 stars; one submission).

Conditions:
Episodic ataxia type 2 (EA2). Also called: ATAXIA, EPISODIC, WITH NYSTAGMUS; ATAXIA, FAMILIAL PAROXYSMAL; ACETAZOLAMIDE-RESPONSIVE HEREDITARY PAROXYSMAL CEREBELLAR ATAXIA; CEREBELLAR ATAXIA, PAROXYSMAL, ACETAZOLAMIDE-RESPONSIVE; CEREBELLOPATHY, HEREDITARY PAROXYSMAL; EPISODIC ATAXIA, NYSTAGMUS-ASSOCIATED. Identifiers: Orphanet 97, MedGen C1720416, MONDO:0007163, OMIM 108500.
Developmental and epileptic encephalopathy, 42 (DEE42A). Also called: Epileptic encephalopathy, early infantile, 42; DEVELOPMENTAL AND EPILEPTIC ENCEPHALOPATHY 42A; EPILEPTIC ENCEPHALOPATHY, EARLY INFANTILE, 42A. Identifiers: MedGen C4310716, MONDO:0014917, OMIM 617106.

gnomAD v4.1: 1 of 1,613,824 alleles (0.000062%); highest among the groups gnomAD compares: African/African-American, 0.0013%; no homozygotes.

Submission:

Labcorp Genetics (formerly Invitae), Labcorp
Classification: Pathogenic for Developmental and epileptic encephalopathy, 42; Episodic ataxia type 2. Last evaluated: 2024-08-12. Review status: criteria provided, single submitter. Criteria: Invitae Variant Classification Sherloc (09022015). Collection method: clinical testing. Allele origin: germline.
Comment: This sequence change creates a premature translational stop signal (p.Tyr1221*) in the CACNA1A gene. It is expected to result in an absent or disrupted protein product. Loss-of-function variants in CACNA1A are known to be pathogenic (PMID: 10371528, 19486177, 25735478, 27250579). This variant is present in population databases (no rsID available, gnomAD 0.01%). This variant has not been reported in the literature in individuals affected with CACNA1A-related conditions. For these reasons, this variant has been classified as Pathogenic.

Literature cited by the submitters: PubMed 10371528; PubMed 19486177; PubMed 25735478; PubMed 27250579.

NM_001127222.2(CACNA1A):c.3660T>G (p.Tyr1220Ter)

Gene: CACNA1A (calcium voltage-gated channel subunit alpha1 A; minus strand). Cytogenetic location: 19p13.13.
Variant type: single nucleotide variant.
Coding change: c.3660T>G on transcript NM_001127222.2 (MANE Select); coding-DNA position 3660, T replaced by G.
Protein change: p.Tyr1220Ter; replaces tyrosine 1220 with a stop codon.
Molecular consequence: nonsense.
Genome position (GRCh38, 1-based): chr19:13,285,100, A>C on the plus strand (T>G on the coding strand, the complement: CACNA1A is on the minus strand). VCF-style: chr19-13285100-A-C. GRCh37 (hg19) VCF-style: chr19-13395914-A-C.
Other names: c.3672T>G, p.Tyr1224Ter (NM_000068.4, NM_023035.3); c.3663T>G, p.Tyr1221Ter (NM_001127221.2, NM_001174080.2); short protein forms Y1220*, Y1221*, Y1224*.
Identifiers: ClinVar variation 3757446 (VCV003757446.2).
Genomic context (GRCh38, chr19:13,285,100, plus strand): 5'-CCCTGCCCTTGCTGGGGGCCATACTCACGGGTTGGTCGTGGACAGGATGAACATGGAGCT[A>C]TAGGGAGGCATTGGCTTAGGGCCGTCTTCCCCACGGTCGTCTTCCTCCTCCTCCTTCTTC-3'